The following is an entry in ClinVar:

ClinVar aggregate classification (germline): Pathogenic (0 of 4 stars; one submission).

Conditions:
Chromosome 17p13.3 duplication syndrome. Also called: Chromosome 17p13.3, centromeric, duplication syndrome. Identifiers: Orphanet 217385, MedGen C3808300, MONDO:0013182, OMIM 613215.

Submission:

Laboratory of Human Genetics, Universidade de São Paulo
Classification: Pathogenic for Chromosome 17p13.3 duplication syndrome. Last evaluated: 2020-05-22. Review status: no assertion criteria provided. Collection method: research. Allele origin: maternal. Inheritance: Autosomal dominant inheritance. Affected: yes. Observed: 3 variant alleles, 3 heterozygotes.
Comment: Pathogenicity assessment according to Am J Hum Genet. 2010 May 14;86(5):749-64. doi: 10.1016/j.ajhg.2010.04.006.

GRCh38/hg38 17p13.3(chr17:1192285-1641601)x3

Genes: INPP5K (inositol polyphosphate-5-phosphatase K; minus strand), ABR (ABR activator of RhoGEF and GTPase; minus strand), BHLHA9 (basic helix-loop-helix family member a9; plus strand), CRK (CRK proto-oncogene, adaptor protein; minus strand), CRK-AS1 (CRK antisense RNA 1; plus strand) and 32 more. Cytogenetic location: 17p13.3.
Variant type: copy number gain.
Change: copy number 3 (three copies instead of two) of chr17:1,192,285-1,641,601 (449.3 kb, GRCh38 coordinates, 1-based), cytogenetic band 17p13.3.
Identifiers: ClinVar variation 932227 (VCV000932227.2).